The following is an entry in ClinVar:

ClinVar aggregate classification (germline): Likely pathogenic. Review status: criteria provided, single submitter (1 of 4 stars). 3 submissions from 3 submitters: Likely pathogenic (1). 2 of the submissions do not count toward it. Last evaluated 2023-05-08.

Conditions:
Child syndrome. Also called: CHILD (Congenital Hemidysplasia with Ichthyosiform Nevus and Limb Defects) Syndrome. Identifiers: Orphanet 139, MedGen C0265267, MONDO:0010621, OMIM 308050.

Submissions (3):

Labcorp Genetics (formerly Invitae), Labcorp
Classification: Likely pathogenic. Last evaluated: 2023-05-08. Review status: criteria provided, single submitter. Criteria: Invitae Variant Classification Sherloc (09022015). Collection method: clinical testing. Allele origin: germline.
Comment: This sequence change replaces alanine, which is neutral and non-polar, with valine, which is neutral and non-polar, at codon 105 of the NSDHL protein (p.Ala105Val). This variant is not present in population databases (gnomAD no frequency). In summary, the currently available evidence indicates that the variant is pathogenic, but additional data are needed to prove that conclusively. Therefore, this variant has been classified as Likely Pathogenic. An algorithm developed to predict the effect of missense changes on protein structure and function (PolyPhen-2) suggests that this variant is likely to be disruptive. ClinVar contains an entry for this variant (Variation ID: 11426). This missense change has been observed in individuals with CHILD syndrome (PMID: 10710235, 15689440, 19906044, 25093865, 26459993).

OMIM
Classification: Pathogenic for CHILD SYNDROME. Last evaluated: 2000-02-14. Review status: no assertion criteria provided. Collection method: literature only. Allele origin: germline. Not counted in ClinVar's aggregate classification.

GeneReviews
No classification provided. Condition: Child syndrome. Review status: no classification provided. Collection method: clinical testing. Allele origin: germline. Not counted in ClinVar's aggregate classification.

Literature cited by the submitters: PubMed 10710235 (cited by Labcorp Genetics (formerly Invitae), Labcorp and OMIM); PubMed 15689440 (cited by Labcorp Genetics (formerly Invitae), Labcorp); PubMed 19906044 (cited by Labcorp Genetics (formerly Invitae), Labcorp); PubMed 25093865 (cited by Labcorp Genetics (formerly Invitae), Labcorp); PubMed 26459993 (cited by Labcorp Genetics (formerly Invitae), Labcorp).

NM_015922.3(NSDHL):c.314C>T (p.Ala105Val)

Gene: NSDHL (NAD(P) dependent 3-beta-hydroxysteroid dehydrogenase NSDHL; plus strand). Cytogenetic location: Xq28.
Variant type: single nucleotide variant.
Coding change: c.314C>T on transcript NM_015922.3 (MANE Select); coding-DNA position 314, C replaced by T.
Protein change: p.Ala105Val; replaces alanine 105 with valine.
Molecular consequence: missense variant.
Genome position (GRCh38, 1-based): chrX:152,858,816, C>T. VCF-style: chrX-152858816-C-T. GRCh37 (hg19) VCF-style: chrX-152027360-C-T.
Other names: c.314C>T, p.Ala105Val (NM_001129765.2); short protein forms A105V.
Identifiers: ClinVar variation 11426 (VCV000011426.8), dbSNP rs104894909, ClinGen allele CA341090.